The following is an entry in ClinVar:

ClinVar aggregate classification (germline): Benign. Review status: reviewed by expert panel (3 of 4 stars). 2 submissions from 2 submitters: Benign (1). 1 of the submissions does not count toward it. Last evaluated 2025-08-01.

Conditions:
RPGR-related retinopathy. Also called: RPGR retinopathy. Identifiers: MedGen CN305589, MONDO:0100437.

Submissions (2):

ClinGen X-linked Inherited Retinal Disease Variant Curation Expert Panel, ClinGen
Classification: Benign for RPGR-related retinopathy. Last evaluated: 2025-08-01. Review status: reviewed by expert panel. Criteria: ClinGen X LinkedIRD ACMG Specifications RPGR V1.0.0. Collection method: curation. Allele origin: germline. Inheritance: X-linked inheritance.
Comment: NM_001034853.2(RPGR):c.*125del is a 1-base pair deletion in the 3' untranslated region of RPGR. This variant is present in gnomAD v4.1.0 at a frequency of 0.2260 among hemizygous individuals, with 65,271 variant alleles / 288,830 total hemizygous alleles, which is higher than the ClinGen X-linked IRD VCEP BA1 threshold of >0.00005 (BA1). The splicing impact predictor SpliceAI gives a delta score of 0.02 for acceptor gain, which is below the ClinGen X-linked IRD VCEP recommended threshold of <0.1 and does not strongly predict an impact on splicing. However, BP4 is not considered applicable to 3' UTR variants in RPGR, so this code was not met. In summary, this variant is classified as benign for RPGR-related retinopathy based on the ClinGen X-linked Inherited Retinal Disease Expert Panel Specifications to the ACMG/AMP Variant Interpretation Guidelines for RPGR Version 1.0.0; BA1. (date of approval 05/16/2025).

GeneDx
Classification: Benign. Last evaluated: 2019-09-12. Review status: criteria provided, single submitter. Criteria: GeneDx Variant Classification Process June 2021. Collection method: clinical testing. Allele origin: germline. Affected: yes. Not counted in ClinVar's aggregate classification.

NM_001034853.2(RPGR):c.*125del

Gene: RPGR (retinitis pigmentosa GTPase regulator; minus strand). Cytogenetic location: Xp11.4.
Variant type: Deletion.
Coding change: c.*125del on transcript NM_001034853.2 (MANE Select); 125 bases downstream of the stop codon, one base deleted (A; older notation c.*125delA).
Molecular consequence: 3 prime UTR variant. On other transcripts: intron variant (8).
Genome position (GRCh38, 1-based): chrX:38,285,415, T deleted on the plus strand (A on the coding strand, the reverse complement: RPGR is on the minus strand); the first of 10 consecutive T bases (chrX:38,285,415-38,285,424); deleting any one gives the same sequence. VCF-style (leftmost placement, unchanged base first): chrX-38285414-CT-C. GRCh37 (hg19) VCF-style: chrX-38144667-CT-C.
Other names: c.1569+5544del (NM_001367249.1, NM_001367250.1); c.1902+1679del (NM_001367245.1); c.1386+5544del (NM_001367251.1); c.1719+1679del (NM_001367246.1); c.1572+5544del (NM_001367247.1); c.1905+1679del (NM_000328.3); c.1602+5544del (NM_001367248.1).
Identifiers: ClinVar variation 1239606 (VCV001239606.4), dbSNP rs35637775, ClinGen allele CA327914176.
Genomic context (GRCh38, chrX:38,285,414, plus strand): 5'-GGCCAAAATTTACCAGTGCCTCCTATTGTCTTTGGCTCCTTAACACAGCTGCATCAGTTG[CT>C]TTTTTTTTTACTACACATAAAATAATTGACATAAAATCAATTTAATAACACGTAATGAGT-3'